The following is an entry in ClinVar:

NM_000426.4(LAMA2):c.5749A>G (p.Ile1917Val)

Gene: LAMA2 (laminin subunit alpha 2; plus strand). Cytogenetic location: 6q22.33.
Variant type: single nucleotide variant.
Coding change: c.5749A>G on transcript NM_000426.4 (MANE Select); coding-DNA position 5749, A replaced by G.
Protein change: p.Ile1917Val; replaces isoleucine 1917 with valine.
Molecular consequence: missense variant.
Genome position (GRCh38, 1-based): chr6:129,403,843, A>G. VCF-style: chr6-129403843-A-G. GRCh37 (hg19) VCF-style: chr6-129724988-A-G.
Other names: c.5749A>G, p.Ile1917Val (NM_001079823.2); short protein forms I1917V.
Identifiers: ClinVar variation 1448614 (VCV001448614.6), dbSNP rs727503993, ClinGen allele CA365616917.
Genomic context (GRCh38, chr6:129,403,843, plus strand): 5'-GAGTGCCCTGACATTCCTTTTTTGAATCATCCCACCAGAATCCTTGATGAGGCTAAAAAC[A>G]TCTCCTTCAATGCCACTGCAGCCTTCAAAGCTTACAGCAATATTAAGGACTATATTGATG-3'
Protein context (NP_000417.3, residues 1907-1927): LDGILDEAKN[Ile1917Val]SFNATAAFKA

ClinVar aggregate classification (germline): Uncertain significance (1 of 4 stars; one submission).

Conditions:
LAMA2-related muscular dystrophy (LAMA2-RD). Also called: Laminin alpha 2-related dystrophy. Identifiers: MedGen C5679788, MONDO:0100228.

Submission:

Labcorp Genetics (formerly Invitae), Labcorp
Classification: Uncertain significance for LAMA2-related muscular dystrophy. Last evaluated: 2022-06-08. Review status: criteria provided, single submitter. Criteria: Invitae Variant Classification Sherloc (09022015). Collection method: clinical testing. Allele origin: germline.
Comment: In summary, the available evidence is currently insufficient to determine the role of this variant in disease. Therefore, it has been classified as a Variant of Uncertain Significance. Advanced modeling of protein sequence and biophysical properties (such as structural, functional, and spatial information, amino acid conservation, physicochemical variation, residue mobility, and thermodynamic stability) performed at Invitae indicates that this missense variant is not expected to disrupt LAMA2 protein function. This variant has not been reported in the literature in individuals affected with LAMA2-related conditions. This variant is not present in population databases (gnomAD no frequency). This sequence change replaces isoleucine, which is neutral and non-polar, with valine, which is neutral and non-polar, at codon 1917 of the LAMA2 protein (p.Ile1917Val).